The following is an entry in ClinVar:

NM_030662.4(MAP2K2):c.34C>A (p.Leu12Ile)

Genes: MAP2K2 (mitogen-activated protein kinase kinase 2; minus strand), LOC130063193 (ATAC-STARR-seq lymphoblastoid silent region 9881; plus strand). Cytogenetic location: 19p13.3.
Variant type: single nucleotide variant.
Coding change: c.34C>A on transcript NM_030662.4 (MANE Select); coding-DNA position 34, C replaced by A.
Protein change: p.Leu12Ile; replaces leucine 12 with isoleucine.
Molecular consequence: missense variant.
Genome position (GRCh38, 1-based): chr19:4,123,842, G>T on the plus strand (C>A on the coding strand, the complement: MAP2K2 is on the minus strand). VCF-style: chr19-4123842-G-T. GRCh37 (hg19) VCF-style: chr19-4123839-G-T.
Other names: short protein forms L12I.
Identifiers: ClinVar variation 1009902 (VCV001009902.9), dbSNP rs2041335933, ClinGen allele CA403396031.
Genomic context (GRCh38, chr19:4,123,842, plus strand): 5'-ACTCGGAGGCGCCCTCGCTGGTAGGGGATGGGCCCTCGGCGATGGTAGGGTTGATGGTGA[G>T]CGCCGGCAGCACCGGCTTCCTCCGGGCCAGCATCGGGGCTCCGCGGGCCGGCGGCGGCGG-3'
Protein context (NP_109587.1, residues 2-22): LARRKPVLPA[Leu12Ile]TINPTIAEGP

ClinVar aggregate classification (germline): Uncertain significance (1 of 4 stars; one submission).

Conditions:
RASopathy. Also called: rasopathies; Noonan spectrum disorder. Identifiers: Orphanet 536391, MedGen C5555857, MONDO:0021060.

Submission:

Labcorp Genetics (formerly Invitae), Labcorp
Classification: Uncertain significance for RASopathy. Last evaluated: 2022-07-25. Review status: criteria provided, single submitter. Criteria: Invitae Variant Classification Sherloc (09022015). Collection method: clinical testing. Allele origin: germline.
Comment: In summary, the available evidence is currently insufficient to determine the role of this variant in disease. Therefore, it has been classified as a Variant of Uncertain Significance. Advanced modeling of protein sequence and biophysical properties (such as structural, functional, and spatial information, amino acid conservation, physicochemical variation, residue mobility, and thermodynamic stability) performed at Invitae indicates that this missense variant is not expected to disrupt MAP2K2 protein function. ClinVar contains an entry for this variant (Variation ID: 1009902). This variant has not been reported in the literature in individuals affected with MAP2K2-related conditions. This variant is not present in population databases (gnomAD no frequency). This sequence change replaces leucine, which is neutral and non-polar, with isoleucine, which is neutral and non-polar, at codon 12 of the MAP2K2 protein (p.Leu12Ile).